The following is an entry in ClinVar:

ClinVar aggregate classification (germline): Pathogenic/Likely pathogenic. Review status: criteria provided, multiple submitters, no conflicts (2 of 4 stars). 2 submissions from 2 submitters: Pathogenic (1); Likely pathogenic (1). Last evaluated 2023-06-27.

Conditions:
Zellweger spectrum disorders (ZS). Also called: Zellweger Spectrum Disorder (ZSD); Zellweger syndrome; Zellweger Spectrum Disorder; Zellweger Spectrum. Identifiers: Orphanet 912, MedGen C0043459, MONDO:0019609.
Heimler syndrome 1 (HMLR1). Also called: PEROXISOME BIOGENESIS DISORDER 1C. Identifiers: Orphanet 3220, MedGen C4551980, OMIM 234580, MONDO:0024544.

Allele frequency attached by ClinVar (database versions not stated): gnomAD exomes below 0.00001.
gnomAD v4.1: 1 of 1,613,872 alleles (0.000062%); highest among the groups gnomAD compares: Non-Finnish European, 0.000085%; no homozygotes.

Submissions (2):

Baylor Genetics
Classification: Likely pathogenic for Heimler syndrome 1. Last evaluated: 2023-06-27. Review status: criteria provided, single submitter. Criteria: ACMG Guidelines, 2015. Collection method: clinical testing. Allele origin: unknown.

Labcorp Genetics (formerly Invitae), Labcorp
Classification: Pathogenic for Zellweger spectrum disorders. Last evaluated: 2021-06-26. Review status: criteria provided, single submitter. Criteria: Invitae Variant Classification Sherloc (09022015). Collection method: clinical testing. Allele origin: germline.
Comment: This sequence change creates a premature translational stop signal (p.Gln319*) in the PEX1 gene. It is expected to result in an absent or disrupted protein product. Loss-of-function variants in PEX1 are known to be pathogenic (PMID: 9398847, 16086329, 16141001, 21031596, 26387595, 31831025). This variant is not present in population databases (ExAC no frequency). This variant has not been reported in the literature in individuals with PEX1-related conditions. For these reasons, this variant has been classified as Pathogenic.

Literature cited by the submitters: PubMed 9398847 (cited by Labcorp Genetics (formerly Invitae), Labcorp); PubMed 16086329 (cited by Labcorp Genetics (formerly Invitae), Labcorp); PubMed 16141001 (cited by Labcorp Genetics (formerly Invitae), Labcorp); PubMed 21031596 (cited by Labcorp Genetics (formerly Invitae), Labcorp); PubMed 26387595 (cited by Labcorp Genetics (formerly Invitae), Labcorp); PubMed 31831025 (cited by Labcorp Genetics (formerly Invitae), Labcorp).

NM_000466.3(PEX1):c.955C>T (p.Gln319Ter)

Gene: PEX1 (peroxisomal biogenesis factor 1; minus strand). Cytogenetic location: 7q21.2.
Variant type: single nucleotide variant.
Coding change: c.955C>T on transcript NM_000466.3 (MANE Select); coding-DNA position 955, C replaced by T.
Protein change: p.Gln319Ter; replaces glutamine 319 with a stop codon.
Molecular consequence: nonsense.
Genome position (GRCh38, 1-based): chr7:92,517,560, G>A on the plus strand (C>T on the coding strand, the complement: PEX1 is on the minus strand). VCF-style: chr7-92517560-G-A. GRCh37 (hg19) VCF-style: chr7-92146874-G-A.
Other names: c.955C>T, p.Gln319Ter (NM_001282677.2); c.331C>T, p.Gln111Ter (NM_001282678.2); short protein forms Q111*, Q319*.
Identifiers: ClinVar variation 1403370 (VCV001403370.7), dbSNP rs2116244185, ClinGen allele CA368198797.